The following is an entry in ClinVar:

ClinVar aggregate classification (germline): Pathogenic (1 of 4 stars; one submission).

Conditions:
Familial adenomatous polyposis 1 (FAP1). Also called: FAMILIAL ADENOMATOUS POLYPOSIS 1, ATTENUATED; POLYPOSIS, ADENOMATOUS INTESTINAL. Identifiers: MedGen C2713442, MONDO:0021056, OMIM 175100. Disease mechanism: loss of function.

Submission:

Myriad Genetics, Inc.
Classification: Pathogenic for Familial adenomatous polyposis 1. Last evaluated: 2023-05-09. Review status: criteria provided, single submitter. Criteria: Myriad Autosomal Dominant, Autosomal Recessive and X-Linked Classification Criteria (2023). Collection method: clinical testing. Allele origin: unknown.
Comment: This variant is considered pathogenic. This variant creates a frameshift predicted to result in premature protein truncation.

NM_000038.6(APC):c.3595_3596dup (p.Ser1200fs)

Gene: APC (APC regulator of Wnt signaling pathway; plus strand). Cytogenetic location: 5q22.2.
Variant type: Duplication.
Coding change: c.3595_3596dup on transcript NM_000038.6 (MANE Select); coding-DNA positions 3595 to 3596, 2 bases duplicated (AA; older notation c.3595_3596dupAA).
Protein change: p.Ser1200fs; shifts the reading frame from serine 1200.
Molecular consequence: frameshift variant. On other transcripts: non-coding transcript variant (2).
Genome position (GRCh38, 1-based): chr5:112,839,189-112,839,190, AA duplicated; duplicating any 2 consecutive bases within chr5:112,839,188-112,839,190 gives the same sequence; the c. name uses the placement nearest the transcript's 3' end. VCF-style (leftmost placement, unchanged base first): chr5-112839187-C-CAA. GRCh37 (hg19) VCF-style: chr5-112174884-C-CAA.
Other names: c.3595_3596dup, p.Ser1200fs (NM_001127510.3, NM_001354895.2, NM_001407450.1); c.3541_3542dup, p.Ser1182fs (NM_001127511.3); c.3649_3650dup, p.Ser1218fs (NM_001354896.2, NM_001407447.1, NM_001407448.1 and 1 more transcripts); c.3625_3626dup, p.Ser1210fs (NM_001354897.2); c.3520_3521dup, p.Ser1175fs (NM_001354898.2); c.3511_3512dup, p.Ser1172fs (NM_001354899.2); c.3472_3473dup, p.Ser1159fs (NM_001354900.2); c.3418_3419dup, p.Ser1141fs (NM_001354901.2, NM_001407453.1); and 11 more; short protein forms S1040fs, S1071fs, S1074fs, S1099fs, S1109fs, S1117fs, S1141fs, S1159fs.
Identifiers: ClinVar variation 2584081 (VCV002584081.1), dbSNP rs864622106, ClinGen allele CA2582341524.